The following is an entry in ClinVar:

NM_001365276.2(TNXB):c.6808C>T (p.Arg2270Cys)

Gene: TNXB (tenascin XB; minus strand). Cytogenetic location: 6p21.33.
Variant type: single nucleotide variant.
Coding change: c.6808C>T on transcript NM_001365276.2 (MANE Select); coding-DNA position 6808, C replaced by T.
Protein change: p.Arg2270Cys; replaces arginine 2270 with cysteine.
Molecular consequence: missense variant.
Genome position (GRCh38, 1-based): chr6:32,064,854, G>A on the plus strand (C>T on the coding strand, the complement: TNXB is on the minus strand). VCF-style: chr6-32064854-G-A. GRCh37 (hg19) VCF-style: chr6-32032631-G-A.
Other names: c.6808C>T, p.Arg2270Cys (NM_019105.8); short protein forms R2270C.
Identifiers: ClinVar variation 2574868 (VCV002574868.1), dbSNP rs1454433703, ClinGen allele CA363554950.

ClinVar aggregate classification (germline): Uncertain significance (1 of 4 stars; one submission).

Allele frequency attached by ClinVar (database versions not stated): gnomAD 0.00001; gnomAD exomes 0.00001.
gnomAD v4.1: 10 of 1,611,122 alleles (0.00062%); highest among the groups gnomAD compares: East Asian, 0.0022%; no homozygotes.

Submission:

GeneDx
Classification: Uncertain significance. Last evaluated: 2023-02-03. Review status: criteria provided, single submitter. Criteria: GeneDx Variant Classification Process June 2021. Collection method: clinical testing. Allele origin: germline. Affected: yes.
Comment: Has not been previously published as pathogenic or benign to our knowledge; Not observed at significant frequency in large population cohorts (gnomAD); In silico analysis supports that this missense variant has a deleterious effect on protein structure/function